The following is an entry in ClinVar:

ClinVar aggregate classification (germline): Pathogenic (1 of 4 stars; one submission).

Conditions:
Duchenne muscular dystrophy (DMD). Also called: MUSCULAR DYSTROPHY, PSEUDOHYPERTROPHIC PROGRESSIVE, DUCHENNE TYPE; Duchenne Muscular Dystrophy (DMD). Identifiers: Orphanet 98896, MedGen C0013264, MONDO:0010679, OMIM 310200.

Submission:

Labcorp Genetics (formerly Invitae), Labcorp
Classification: Pathogenic for Duchenne muscular dystrophy. Last evaluated: 2025-09-03. Review status: criteria provided, single submitter. Criteria: Invitae Variant Classification Sherloc (09022015). Collection method: clinical testing. Allele origin: germline.
Comment: This sequence change creates a premature translational stop signal (p.Ser1961Alafs*22) in the DMD gene. It is expected to result in an absent or disrupted protein product. Loss-of-function variants in DMD are known to be pathogenic (PMID: 16770791, 25007885). This variant is not present in population databases (gnomAD no frequency). This variant has not been reported in the literature in individuals affected with DMD-related conditions. For these reasons, this variant has been classified as Pathogenic.

Literature cited by the submitters: PubMed 16770791; PubMed 25007885.

NM_004006.3(DMD):c.5880del (p.Ser1961fs)

Gene: DMD (dystrophin; minus strand). Cytogenetic location: Xp21.1.
Variant type: Deletion.
Coding change: c.5880del on transcript NM_004006.3 (MANE Select); coding-DNA position 5880, one base deleted (G; older notation c.5880delG).
Protein change: p.Ser1961fs; shifts the reading frame from serine 1961.
Molecular consequence: frameshift variant.
Genome position (GRCh38, 1-based): chrX:32,342,142, C deleted on the plus strand (G on the coding strand, the reverse complement: DMD is on the minus strand). VCF-style (leftmost placement, unchanged base first): chrX-32342141-TC-T. GRCh37 (hg19) VCF-style: chrX-32360258-TC-T.
Other names: c.5856del, p.Ser1953fs (NM_000109.4); c.5868del, p.Ser1957fs (NM_004009.3); c.5511del, p.Ser1838fs (NM_004010.3); c.1857del, p.Ser620fs (NM_004011.4); c.1848del, p.Ser617fs (NM_004012.4); short protein forms S1838fs, S1953fs, S1957fs, S1961fs, S617fs, S620fs.
Identifiers: ClinVar variation 4717112 (VCV004717112.1).